The following is an entry in ClinVar:

NM_018706.7(DHTKD1):c.967G>A (p.Asp323Asn)

Gene: DHTKD1 (dehydrogenase E1 and transketolase domain containing 1; plus strand). Cytogenetic location: 10p14.
Variant type: single nucleotide variant.
Coding change: c.967G>A on transcript NM_018706.7 (MANE Select); coding-DNA position 967, G replaced by A.
Protein change: p.Asp323Asn; replaces aspartic acid 323 with asparagine.
Molecular consequence: missense variant.
Genome position (GRCh38, 1-based): chr10:12,089,235, G>A. VCF-style: chr10-12089235-G-A. GRCh37 (hg19) VCF-style: chr10-12131234-G-A.
Other names: short protein forms D323N.
Identifiers: ClinVar variation 2166429 (VCV002166429.4), dbSNP rs529235889, ClinGen allele CA5407698.

ClinVar aggregate classification (germline): Uncertain significance (1 of 4 stars; one submission).

Conditions:
2-aminoadipic 2-oxoadipic aciduria (AAKAD). Also called: Aminoadipic aciduria; ALPHA-AMINOADIPIC AND ALPHA-KETOADIPIC ACIDURIA. Identifiers: Orphanet 79154, MedGen C1859817, MONDO:0008774, OMIM 204750.

Allele frequency attached by ClinVar (database versions not stated): TOPMed 0.00001.
gnomAD v4.1: 19 of 1,613,958 alleles (0.0012%); highest among the groups gnomAD compares: African/African-American, 0.0027%; no homozygotes.

Submission:

Labcorp Genetics (formerly Invitae), Labcorp
Classification: Uncertain significance for 2-aminoadipic 2-oxoadipic aciduria. Last evaluated: 2024-04-10. Review status: criteria provided, single submitter. Criteria: Invitae Variant Classification Sherloc (09022015). Collection method: clinical testing. Allele origin: germline.
Comment: This sequence change replaces aspartic acid, which is acidic and polar, with asparagine, which is neutral and polar, at codon 323 of the DHTKD1 protein (p.Asp323Asn). This variant is present in population databases (rs529235889, gnomAD 0.004%). This missense change has been observed in individual(s) with amyotrophic lateral sclerosis (PMID: 35052424). ClinVar contains an entry for this variant (Variation ID: 2166429). Advanced modeling of protein sequence and biophysical properties (such as structural, functional, and spatial information, amino acid conservation, physicochemical variation, residue mobility, and thermodynamic stability) performed at Invitae indicates that this missense variant is not expected to disrupt DHTKD1 protein function with a negative predictive value of 80%. In summary, the available evidence is currently insufficient to determine the role of this variant in disease. Therefore, it has been classified as a Variant of Uncertain Significance.

Literature cited by the submitters: PubMed 35052424.